The following is an entry in ClinVar:

NM_033026.6(PCLO):c.1994C>T (p.Pro665Leu)

Gene: PCLO (piccolo presynaptic cytomatrix protein; minus strand). Cytogenetic location: 7q21.11.
Variant type: single nucleotide variant.
Coding change: c.1994C>T on transcript NM_033026.6 (MANE Select); coding-DNA position 1994, C replaced by T.
Protein change: p.Pro665Leu; replaces proline 665 with leucine.
Molecular consequence: missense variant.
Genome position (GRCh38, 1-based): chr7:83,135,556, G>A on the plus strand (C>T on the coding strand, the complement: PCLO is on the minus strand). VCF-style: chr7-83135556-G-A. GRCh37 (hg19) VCF-style: chr7-82764872-G-A.
Other names: c.1994C>T, p.Pro665Leu (NM_014510.3); short protein forms P665L.
Identifiers: ClinVar variation 3903235 (VCV003903235.1).
Genomic context (GRCh38, chr7:83,135,556, plus strand): 5'-TTTGGGGAAGTCTGCTGTGGCTGTGGGGATGATTTGCTCACTGCTGATGTAGTGGTAACA[G>A]GTGCAGTCTTCAGTTTGGGCTGGGGTGATGACGGAACTGGAGCCAGATCCCCGCCTAGAG-3'
Protein context (NP_149015.2, residues 655-675): SSPQPKLKTA[Pro665Leu]VTTTSAVSKS

ClinVar aggregate classification (germline): Uncertain significance (1 of 4 stars; one submission).

Submission:

GeneDx
Classification: Uncertain significance. Last evaluated: 2022-10-28. Review status: criteria provided, single submitter. Criteria: GeneDx Variant Classification Process June 2021. Collection method: clinical testing. Allele origin: germline. Affected: yes.
Comment: Not observed at significant frequency in large population cohorts (gnomAD); In silico analysis supports that this missense variant has a deleterious effect on protein structure/function; Has not been previously published as pathogenic or benign to our knowledge; Variants in candidate genes are classified as variants of uncertain significance in accordance with ACMG guidelines (Richards et al., 2015)